The following is an entry in ClinVar:

NM_020754.4(ARHGAP31):c.676A>C (p.Asn226His)

Gene: ARHGAP31 (Rho GTPase activating protein 31; plus strand). Cytogenetic location: 3q13.33.
Variant type: single nucleotide variant.
Coding change: c.676A>C on transcript NM_020754.4 (MANE Select); coding-DNA position 676, A replaced by C.
Protein change: p.Asn226His; replaces asparagine 226 with histidine.
Molecular consequence: missense variant.
Genome position (GRCh38, 1-based): chr3:119,383,220, A>C. VCF-style: chr3-119383220-A-C. GRCh37 (hg19) VCF-style: chr3-119102067-A-C.
Other names: short protein forms N226H.
Identifiers: ClinVar variation 2631311 (VCV002631311.1), dbSNP rs202118332, ClinGen allele CA354027810.

ClinVar aggregate classification (germline): Uncertain significance (1 of 4 stars; one submission).

Conditions:
ARHGAP31-related disorder. Also called: ARHGAP31-related condition.

gnomAD v4.1: 2 of 1,614,100 alleles (0.00012%); highest among the groups gnomAD compares: South Asian, 0.0011%; no homozygotes.

Submission:

PreventionGenetics, part of Exact Sciences
Classification: Uncertain significance for ARHGAP31-related condition. Last evaluated: 2023-08-07. Review status: criteria provided, single submitter. Criteria: ACMG Guidelines, 2015. Collection method: clinical testing. Allele origin: germline.
Comment: The ARHGAP31 c.676A>C variant is predicted to result in the amino acid substitution p.Asn226His. To our knowledge, this variant has not been reported in the literature or in a large population database, indicating this variant is rare. At this time, the clinical significance of this variant is uncertain due to the absence of conclusive functional and genetic evidence.